The following is an entry in ClinVar:

ClinVar aggregate classification (germline): Uncertain significance (1 of 4 stars; one submission).

Conditions:
Hereditary cancer-predisposing syndrome. Also called: Neoplastic Syndromes, Hereditary; Tumor predisposition; Hereditary neoplastic syndrome; Hereditary Cancer Syndrome. Identifiers: Orphanet 140162, MedGen C0027672, MeSH D009386, MONDO:0015356.

gnomAD v4.1: 1 of 1,614,216 alleles (0.000062%); highest among the groups gnomAD compares: Non-Finnish European, 0.000085%; no homozygotes.

Submission:

Ambry Genetics
Classification: Uncertain significance for Hereditary cancer-predisposing syndrome. Last evaluated: 2024-06-25. Review status: criteria provided, single submitter. Criteria: Ambry Variant Classification Scheme 2023. Collection method: clinical testing. Allele origin: germline.
Comment: The p.S1620T variant (also known as c.4859G>C), located in coding exon 22 of the DICER1 gene, results from a G to C substitution at nucleotide position 4859. The serine at codon 1620 is replaced by threonine, an amino acid with similar properties. This amino acid position is not well conserved in available vertebrate species. In addition, this alteration is predicted to be tolerated by in silico analysis. Based on the available evidence, the clinical significance of this variant remains unclear.

NM_177438.3(DICER1):c.4859G>C (p.Ser1620Thr)

Gene: DICER1 (dicer 1, ribonuclease III; minus strand). Cytogenetic location: 14q32.13.
Variant type: single nucleotide variant.
Coding change: c.4859G>C on transcript NM_177438.3 (MANE Select); coding-DNA position 4859, G replaced by C.
Protein change: p.Ser1620Thr; replaces serine 1620 with threonine.
Molecular consequence: missense variant.
Genome position (GRCh38, 1-based): chr14:95,096,061, C>G on the plus strand (G>C on the coding strand, the complement: DICER1 is on the minus strand). VCF-style: chr14-95096061-C-G. GRCh37 (hg19) VCF-style: chr14-95562398-C-G.
Other names: c.4859G>C, p.Ser1620Thr (NM_001195573.1, NM_001271282.3, NM_001291628.2 and 1 more transcripts); short protein forms S1620T.
Identifiers: ClinVar variation 825233 (VCV000825233.5), dbSNP rs1555367601, ClinGen allele CA390866694.
Genomic context (GRCh38, chr14:95,096,061, plus strand): 5'-CCATATTCCGAGTCTTTCAATACAGAAGAGCGTGAACTGGCCACAGAAGCAGCAGCACAG[C>G]TCACTGAAAGGTTCTTTTGTTGGCTGTTGAAATTCTCCCGAGTAGGGCACAGGGCCTTTT-3'
Protein context (NP_803187.1, residues 1610-1630): FNSQQKNLSV[Ser1620Thr]CAAASVASSR